The following is an entry in ClinVar:

NM_173842.3(IL1RN):c.69G>A (p.Thr23=)

Gene: IL1RN (interleukin 1 receptor antagonist; plus strand). Cytogenetic location: 2q14.1.
Variant type: single nucleotide variant.
Coding change: c.69G>A on transcript NM_173842.3 (MANE Select); coding-DNA position 69, G replaced by A.
Protein change: p.Thr23=; no amino-acid change (threonine 23 retained).
Molecular consequence: synonymous variant. On other transcripts: 5 prime UTR variant (3).
Genome position (GRCh38, 1-based): chr2:113,127,693, G>A. VCF-style: chr2-113127693-G-A. GRCh37 (hg19) VCF-style: chr2-113885270-G-A.
Other names: c.15G>A, p.Thr5= (NM_000577.5); c.-34G>A (NM_001318914.2, NM_001379360.1, NM_173843.3); c.78G>A, p.Thr26= (NM_173841.3).
Identifiers: ClinVar variation 330823 (VCV000330823.63), dbSNP rs2232353, ClinGen allele CA1838752.
Genomic context (GRCh38, chr2:113,127,693, plus strand): 5'-CTGCAGAGGCCTCCGCAGTCACCTAATCACTCTCCTCCTCTTCCTGTTCCATTCAGAGAC[G>A]ATCTGCCGACCCTCTGGGAGAAAATCCAGCAAGATGCAAGCCTTCAGGTAAGGCTACCCC-3'
Protein context (NP_776214.1, residues 13-33): TLLLFLFHSE[Thr23=]ICRPSGRKSS

ClinVar aggregate classification (germline): Benign/Likely benign. Review status: criteria provided, multiple submitters, no conflicts (2 of 4 stars). 7 submissions from 7 submitters: Benign (1); Likely benign (6). Last evaluated 2026-07-01.

Conditions:
Sterile multifocal osteomyelitis with periostitis and pustulosis. Also called: CHRONIC RECURRENT MULTIFOCAL OSTEOMYELITIS 2, WITH PERIOSTITIS AND PUSTULOSIS. Identifiers: Orphanet 210115, MedGen C2748507, MONDO:0013021, OMIM 612852.
Gastric cancer. Also called: Stomach cancer; Malignant tumor of stomach. Identifiers: MedGen C0024623, MeSH D013274, MONDO:0001056, OMIM 613659, HP:0012126.
Microvascular complications of diabetes, susceptibility to, 4. Identifiers: MedGen C2675112, MONDO:0012966, OMIM 612628.
Autoinflammatory syndrome. Identifiers: Orphanet 93665, MedGen C3890737, MONDO:0019751.
Inborn genetic diseases. Identifiers: MedGen C0950123, MeSH D030342.

Allele frequency attached by ClinVar (database versions not stated): TOPMed 0.00067; gnomAD 0.00068 and 0.00055; ExAC 0.00108; gnomAD exomes 0.00108; 1000 Genomes Project 0.00160; 1000 Genomes Project 30x 0.00172; ESP Exome Variant Server 0.00054.
gnomAD v4.1: 993 of 1,614,050 alleles (0.062%); highest among the groups gnomAD compares: Middle Eastern, 0.64%; 11 homozygotes.

Submissions (7):

CeGaT Center for Human Genetics Tuebingen
Classification: Likely benign. Last evaluated: 2026-07-01. Review status: criteria provided, single submitter. Criteria: CeGaT Center For Human Genetics Tuebingen Variant Classification Criteria Version 2. Collection method: clinical testing. Allele origin: germline. Affected: yes. Observed: 7 variant alleles.
Comment: IL1RN: BP4, BP7

Labcorp Genetics (formerly Invitae), Labcorp
Classification: Benign for Sterile multifocal osteomyelitis with periostitis and pustulosis. Last evaluated: 2026-01-18. Review status: criteria provided, single submitter. Criteria: Invitae Variant Classification Sherloc (09022015). Collection method: clinical testing. Allele origin: germline.

Blueprint Genetics
Classification: Likely benign. Last evaluated: 2024-10-21. Review status: criteria provided, single submitter. Criteria: ACMG Guidelines, 2015. Collection method: clinical testing. Allele origin: germline.

Ambry Genetics
Classification: Likely benign for Inborn genetic diseases. Last evaluated: 2023-07-12. Review status: criteria provided, single submitter. Criteria: Ambry Variant Classification Scheme 2023. Collection method: clinical testing. Allele origin: germline.

Fulgent Genetics
Classification: Likely benign for Microvascular complications of diabetes, susceptibility to, 4; Sterile multifocal osteomyelitis with periostitis and pustulosis; Gastric cancer. Last evaluated: 2021-11-09. Review status: criteria provided, single submitter. Criteria: ACMG Guidelines, 2015. Collection method: clinical testing. Allele origin: unknown.

Genome Diagnostics Laboratory, The Hospital for Sick Children
Classification: Likely benign for Autoinflammatory syndrome. Last evaluated: 2021-06-23. Review status: criteria provided, single submitter. Criteria: ACMG Guidelines, 2015. Collection method: clinical testing. Allele origin: germline. Affected: yes.

Illumina Laboratory Services, Illumina
Classification: Likely benign for Sterile multifocal osteomyelitis with periostitis and pustulosis. Last evaluated: 2018-01-12. Review status: criteria provided, single submitter. Criteria: ICSL Variant Classification Criteria 13 December 2019. Collection method: clinical testing. Allele origin: germline.
Comment: This variant was observed in the ICSL laboratory as part of a predisposition screen in an ostensibly healthy population. It had not been previously curated by ICSL or reported in the Human Gene Mutation Database (HGMD: prior to June 1st, 2018), and was therefore a candidate for classification through an automated scoring system. Utilizing variant allele frequency, disease prevalence and penetrance estimates, and inheritance mode, an automated score was calculated to assess if this variant is too frequent to cause the disease. Based on the score and internal cut-off values, a variant classified as likely benign is not then subjected to further curation. The score for this variant resulted in a classification of likely benign for this disease.